The following is an entry in ClinVar:

ClinVar aggregate classification (germline): Uncertain significance (1 of 4 stars; one submission).

Conditions:
Idiopathic Pulmonary Fibrosis. Also called: Idiopathic fibrosing alveolitis, chronic form; idiopathic fibrosing alveolitis. Identifiers: Orphanet 2032, MedGen C1800706, MeSH D054990, MONDO:0800504.
Dyskeratosis congenita, autosomal dominant 2. Identifiers: MedGen C3151443, MONDO:0013521, OMIM 613989.

gnomAD v4.1: 2 of 1,558,806 alleles (0.00013%); highest among the groups gnomAD compares: Non-Finnish European, 0.00017%; no homozygotes.

Submission:

Labcorp Genetics (formerly Invitae), Labcorp
Classification: Uncertain significance for Dyskeratosis congenita, autosomal dominant 2; Idiopathic Pulmonary Fibrosis. Last evaluated: 2022-10-13. Review status: criteria provided, single submitter. Criteria: Invitae Variant Classification Sherloc (09022015). Collection method: clinical testing. Allele origin: germline.
Comment: In summary, the available evidence is currently insufficient to determine the role of this variant in disease. Therefore, it has been classified as a Variant of Uncertain Significance. Algorithms developed to predict the effect of missense changes on protein structure and function output the following: SIFT: "Tolerated"; PolyPhen-2: "Benign"; Align-GVGD: "Class C0". The cysteine amino acid residue is found in multiple mammalian species, which suggests that this missense change does not adversely affect protein function. This sequence change replaces arginine, which is basic and polar, with cysteine, which is neutral and slightly polar, at codon 377 of the TERT protein (p.Arg377Cys). This variant is not present in population databases (gnomAD no frequency). This variant has not been reported in the literature in individuals affected with TERT-related conditions.

NM_198253.3(TERT):c.1129C>T (p.Arg377Cys)

Gene: TERT (telomerase reverse transcriptase; minus strand). Cytogenetic location: 5p15.33.
Variant type: single nucleotide variant.
Coding change: c.1129C>T on transcript NM_198253.3 (MANE Select); coding-DNA position 1129, C replaced by T.
Protein change: p.Arg377Cys; replaces arginine 377 with cysteine.
Molecular consequence: missense variant. On other transcripts: non-coding transcript variant (2).
Genome position (GRCh38, 1-based): chr5:1,293,757, G>A on the plus strand (C>T on the coding strand, the complement: TERT is on the minus strand). VCF-style: chr5-1293757-G-A. GRCh37 (hg19) VCF-style: chr5-1293872-G-A.
Other names: c.1129C>T, p.Arg377Cys (NM_001193376.3, NM_003219.1); short protein forms R377C.
Identifiers: ClinVar variation 1895524 (VCV001895524.5), dbSNP rs1189184129, ClinGen allele CA359055395.